The following is an entry in ClinVar:

ClinVar aggregate classification (germline): Likely benign. Review status: criteria provided, multiple submitters, no conflicts (2 of 4 stars). 3 submissions from 3 submitters: Likely benign (3). Last evaluated 2024-03-27.

Conditions:
Koolen-de Vries syndrome (KDVS). Identifiers: Orphanet 96169, MedGen C1864871, MONDO:0012496, OMIM 610443.

Allele frequency attached by ClinVar (database versions not stated): gnomAD 0.00001; TOPMed 0.00001; gnomAD exomes 0.00002 and 0.00004; ExAC 0.00003.
gnomAD v4.1: 52 of 1,603,620 alleles (0.0032%); highest among the groups gnomAD compares: Non-Finnish European, 0.0041%; no homozygotes.

Submissions (3):

Labcorp Genetics (formerly Invitae), Labcorp
Classification: Likely benign for Koolen-de Vries syndrome. Last evaluated: 2024-03-27. Review status: criteria provided, single submitter. Criteria: Invitae Variant Classification Sherloc (09022015). Collection method: clinical testing. Allele origin: germline.

Women's Health and Genetics/Laboratory Corporation of America, LabCorp
Classification: Likely benign. Last evaluated: 2023-11-03. Review status: criteria provided, single submitter. Criteria: LabCorp Variant Classification Summary - May 2015. Collection method: clinical testing. Allele origin: germline.
Comment: Variant summary: KIAA1267 (KANSL1) c.2203+18G>A alters a non-conserved nucleotide located at a position not widely known to affect splicing. Consensus agreement among computation tools predict no significant impact on normal splicing. However, these predictions have yet to be confirmed by functional studies. The variant allele was found at a frequency of 3.2e-05 in 1603620 control chromosomes. To our knowledge, no occurrence of c.2203+18G>A in individuals affected with Koolen-De Vries Syndrome and no experimental evidence demonstrating its impact on protein function have been reported. Two submitters have cited clinical-significance assessments for this variant to ClinVar after 2014. All submitters classified the variant as likely benign. Based on the evidence outlined above, the variant was classified as likely benign.

GeneDx
Classification: Likely benign. Last evaluated: 2017-02-07. Review status: criteria provided, single submitter. Criteria: GeneDx Variant Classification (06012015). Collection method: clinical testing. Allele origin: germline. Affected: yes.
Comment: This variant is considered likely benign or benign based on one or more of the following criteria: it is a conservative change, it occurs at a poorly conserved position in the protein, it is predicted to be benign by multiple in silico algorithms, and/or has population frequency not consistent with disease.

NM_015443.4(KANSL1):c.2203+18G>A

Gene: KANSL1 (KAT8 regulatory NSL complex subunit 1). Cytogenetic location: 17q21.31.
Variant type: single nucleotide variant.
Coding change: c.2203+18G>A on transcript NM_015443.4 (MANE Select); 18 bases into the intron after coding-DNA position 2203, G replaced by A.
Molecular consequence: intron variant.
Genome position (GRCh38, 1-based): chr17:46,039,684, C>T on the plus strand (G>A on the coding strand, the complement: KANSL1 is on the minus strand). VCF-style: chr17-46039684-C-T. GRCh37 (hg19) VCF-style: chr17-44117050-C-T.
Other names: c.2203+18G>A (NM_001193465.2, NM_001379198.1, NM_001193466.2).
Identifiers: ClinVar variation 507266 (VCV000507266.9), dbSNP rs764721407, ClinGen allele CA8618639.